The following is an entry in ClinVar:

NM_001042492.3(NF1):c.6007-1G>A

Gene: NF1 (neurofibromin 1; plus strand). Cytogenetic location: 17q11.2.
Variant type: single nucleotide variant.
Coding change: c.6007-1G>A on transcript NM_001042492.3 (MANE Select); the canonical splice acceptor site of the intron before coding-DNA position 6007, G replaced by A.
Molecular consequence: splice acceptor variant.
Genome position (GRCh38, 1-based): chr17:31,336,332, G>A. VCF-style: chr17-31336332-G-A. GRCh37 (hg19) VCF-style: chr17-29663350-G-A.
Other names: c.5944-1G>A (NM_000267.4).
Identifiers: ClinVar variation 547671 (VCV000547671.3), dbSNP rs1555534596, ClinGen allele CA399010992.
Genomic context (GRCh38, chr17:31,336,332, plus strand): 5'-TTTAATTAAAAATTAAATTGGTAGAGTGATTAAAAACATGTTATTTTCCTTCTTCAACTA[G>A]ATTACAGATCTGCTTGATGTTGTACTAGACAGTTTCATCAAAACCAGTGCAACAGGTGGC-3'

ClinVar aggregate classification (germline): Pathogenic/Likely pathogenic. Review status: criteria provided, multiple submitters, no conflicts (2 of 4 stars). 2 submissions from 2 submitters: Pathogenic (1); Likely pathogenic (1). Last evaluated 2016-11-01.
ClinVar aggregate classification (somatic clinical impact): Tier I - Strong (1 of 4 stars; one submission).

Conditions:
Neurofibromatosis, type 1 (NF1). Also called: Peripheral type neurofibromatosis; NEUROFIBROMATOSIS, TYPE I, SOMATIC; Neurofibromatosis, type I; VON RECKLINGHAUSEN DISEASE. Identifiers: Orphanet 636, MedGen C0027831, MONDO:0018975, OMIM 162200. Disease mechanism: loss of function.
Diffuse pediatric-type high-grade glioma, H3-wildtype and IDH-wildtype. Identifiers: MedGen C5669918, MONDO:0858939.

Submissions (3):

Institute for Genomic Medicine (IGM) Clinical Laboratory, Nationwide Children's Hospital
Classification: Tier I - Strong for Diffuse pediatric-type high-grade glioma, H3-wildtype and IDH-wildtype. Assertion type: diagnostic. Clinical significance: supports diagnosis. Last evaluated: 2022-10-14. Review status: criteria provided, single submitter. Criteria: AMP/ASCO/CAP Guidelines, 2017. Collection method: clinical testing. Allele origin: somatic. Affected: yes.
Comment: Variant has Tier I (strong) clinical significance as a diagnostic inclusion criterion in diffuse pediatric-type high-grade glioma, H3-wildtype and IDH-wildtype, based on the following evidence: 1) Documented in one or more cancer databases (e.g., St. Jude Pecan, COSMIC, CIViC, OncoKB). 2) Appears in one or more well-established professional guidelines (e.g., World Health Organization [WHO]; National Comprehensive Cancer Network [NCCN]) as providing diagnostic, prognostic, or therapeutic information. 3) Information in the literature supports potential biologic effect of variant. 4) Diagnostic for a specific tumor type/classification based on well-powered studies with expert-level consensus (Evidence Level B; PMIDs: 28966033, 33523591, 34185076).

Center for Human Genetics, Inc
Classification: Likely pathogenic for Neurofibromatosis, type 1. Last evaluated: 2016-11-01. Review status: criteria provided, single submitter. Criteria: ACMG Guidelines, 2015. Collection method: clinical testing. Allele origin: germline. Affected: yes.

Clinical Genetics Service, Universitary Hospital 12 de Octubre
Classification: Pathogenic for Neurofibromatosis, type 1. Review status: criteria provided, single submitter. Criteria: ACMG Guidelines, 2015. Collection method: clinical testing. Allele origin: germline. Affected: yes.

Literature cited by the submitters: PubMed 28966033 (cited by Institute for Genomic Medicine (IGM) Clinical Laboratory, Nationwide Children's Hospital); PubMed 33523591 (cited by Institute for Genomic Medicine (IGM) Clinical Laboratory, Nationwide Children's Hospital); PubMed 34185076 (cited by Institute for Genomic Medicine (IGM) Clinical Laboratory, Nationwide Children's Hospital).